The following is an entry in ClinVar:

ClinVar aggregate classification (germline): Uncertain significance (1 of 4 stars; one submission).

Conditions:
Inborn genetic diseases. Identifiers: MedGen C0950123, MeSH D030342.

Allele frequency attached by ClinVar (database versions not stated): gnomAD exomes below 0.00001; TOPMed below 0.00001; ExAC 0.00001; gnomAD 0.00001; 1000 Genomes Project 30x 0.00016; 1000 Genomes Project 0.00020.
gnomAD v4.1: 2 of 1,614,146 alleles (0.00012%); highest among the groups gnomAD compares: African/African-American, 0.0027%; no homozygotes.

Submission:

Ambry Genetics
Classification: Uncertain significance for Inborn genetic diseases. Last evaluated: 2019-12-02. Review status: criteria provided, single submitter. Criteria: Ambry Variant Classification Scheme 2023. Collection method: clinical testing. Allele origin: germline.
Comment: The p.F1319L variant (also known as c.3955T>C), located in coding exon 29 of the SBF2 gene, results from a T to C substitution at nucleotide position 3955. The phenylalanine at codon 1319 is replaced by leucine, an amino acid with highly similar properties. This amino acid position is well conserved in available vertebrate species. In addition, this alteration is predicted to be deleterious by in silico analysis. Since supporting evidence is limited at this time, the clinical significance of this alteration remains unclear.

NM_030962.4(SBF2):c.3955T>C (p.Phe1319Leu)

Gene: SBF2 (SET binding factor 2; minus strand). Cytogenetic location: 11p15.4.
Variant type: single nucleotide variant.
Coding change: c.3955T>C on transcript NM_030962.4 (MANE Select); coding-DNA position 3955, T replaced by C.
Protein change: p.Phe1319Leu; replaces phenylalanine 1319 with leucine.
Molecular consequence: missense variant.
Genome position (GRCh38, 1-based): chr11:9,816,863, A>G on the plus strand (T>C on the coding strand, the complement: SBF2 is on the minus strand). VCF-style: chr11-9816863-A-G. GRCh37 (hg19) VCF-style: chr11-9838410-A-G.
Other names: c.4051T>C, p.Phe1351Leu (NM_001386339.1); c.3826T>C, p.Phe1276Leu (NM_001386342.1); short protein forms F1319L, F1276L, F1351L.
Identifiers: ClinVar variation 1736469 (VCV001736469.2), dbSNP rs566475447, ClinGen allele CA5881102.